The following is an entry in ClinVar:

NM_000393.5(COL5A2):c.3488A>G (p.Gln1163Arg)

Gene: COL5A2 (collagen type V alpha 2 chain; minus strand). Cytogenetic location: 2q32.2.
Variant type: single nucleotide variant.
Coding change: c.3488A>G on transcript NM_000393.5 (MANE Select); coding-DNA position 3488, A replaced by G.
Protein change: p.Gln1163Arg; replaces glutamine 1163 with arginine.
Molecular consequence: missense variant.
Genome position (GRCh38, 1-based): chr2:189,042,757, T>C on the plus strand (A>G on the coding strand, the complement: COL5A2 is on the minus strand). VCF-style: chr2-189042757-T-C. GRCh37 (hg19) VCF-style: chr2-189907483-T-C.
Other names: short protein forms Q1163R.
Identifiers: ClinVar variation 408279 (VCV000408279.19), dbSNP rs758412337, ClinGen allele CA2021986.

ClinVar aggregate classification (germline): Conflicting classifications of pathogenicity. Review status: criteria provided, conflicting classifications (1 of 4 stars). 4 submissions from 4 submitters: Uncertain significance (3); Likely benign (1). Last evaluated 2025-04-13.

Conditions:
Ehlers-Danlos syndrome, classic type, 1 (EDSCL1). Also called: EHLERS-DANLOS SYNDROME, GRAVIS TYPE; EHLERS-DANLOS SYNDROME, SEVERE CLASSIC TYPE; Ehlers-Danlos Syndrome, Classic Type, COL5A1-Related; EDS I; Ehlers-Danlos syndrome, type 1. Identifiers: MedGen C0268335, MONDO:0019567, OMIM 130000.
Ehlers-Danlos syndrome, classic type, 2 (EDSCL2). Also called: Ehlers-Danlos syndrome type 2 (formerly); Ehlers-Danlos Syndrome, Classic Type, COL5A2-Related; Ehlers-Danlos syndrome, type 2. Identifiers: Orphanet 287, Orphanet 90318, MedGen C0268336, MONDO:0019568, OMIM 130010.
Familial thoracic aortic aneurysm and aortic dissection (TAAD). Also called: Thoracic aortic aneurysms and dissections. Identifiers: Orphanet 91387, MedGen C4707243, MONDO:0019625.

Allele frequency attached by ClinVar (database versions not stated): gnomAD exomes 0.00003 and 0.00007; ExAC 0.00010; TOPMed 0.00002.
gnomAD v4.1: 19 of 1,606,856 alleles (0.0012%); highest among the groups gnomAD compares: Admixed American, 0.025%; no homozygotes.

Submissions (4):

Labcorp Genetics (formerly Invitae), Labcorp
Classification: Likely benign for Ehlers-Danlos syndrome, classic type, 1. Last evaluated: 2025-04-13. Review status: criteria provided, single submitter. Criteria: Invitae Variant Classification Sherloc (09022015). Collection method: clinical testing. Allele origin: germline.

Center for Genomics, Ann and Robert H. Lurie Children's Hospital of Chicago
Classification: Uncertain significance for Ehlers-Danlos syndrome, classic type, 2. Last evaluated: 2022-12-15. Review status: criteria provided, single submitter. Criteria: ACMG Guidelines, 2015. Collection method: clinical testing. Allele origin: germline.
Comment: This variant has not been reported in the literature but is present in the Genome Aggregation Database (Highest reported MAF: 0.04% [13/33820]), and in ClinVar (Variation ID: 408279). Evolutionary conservation and computational prediction tools are unclear for this variant. In summary, data on this variant is insufficient for disease classification. Therefore, the clinical significance of this variant is uncertain.

GeneDx
Classification: Uncertain significance. Last evaluated: 2022-06-13. Review status: criteria provided, single submitter. Criteria: GeneDx Variant Classification Process June 2021. Collection method: clinical testing. Allele origin: germline. Affected: yes.
Comment: Has not been previously published as pathogenic or benign to our knowledge; In silico analysis supports that this missense variant does not alter protein structure/function

Ambry Genetics
Classification: Uncertain significance for Familial thoracic aortic aneurysm and aortic dissection. Last evaluated: 2017-07-11. Review status: criteria provided, single submitter. Criteria: Ambry Variant Classification Scheme 2023. Collection method: clinical testing. Allele origin: germline.
Comment: The p.Q1163R variant (also known as c.3488A>G), located in coding exon 49 of the COL5A2 gene, results from an A to G substitution at nucleotide position 3488. The glutamine at codon 1163 is replaced by arginine, an amino acid with highly similar properties. This amino acid position is highly conserved in available vertebrate species. In addition, the in silico prediction for this alteration is inconclusive. Since supporting evidence is limited at this time, the clinical significance of this alteration remains unclear.